The following is an entry in ClinVar:

ClinVar aggregate classification (germline): Uncertain significance (1 of 4 stars; one submission).

Conditions:
Charcot-Marie-Tooth disease axonal type 2O. Also called: Charcot-Marie-Tooth disease, axonal, type 20; CHARCOT-MARIE-TOOTH NEUROPATHY, AXONAL, TYPE 2O; CHARCOT-MARIE-TOOTH DISEASE, AXONAL, AUTOSOMAL DOMINANT, TYPE 2O; Charcot-Marie-Tooth Neuropathy Type 2O. Identifiers: Orphanet 284232, MedGen C3280220, MONDO:0013644, OMIM 614228.

Submission:

Labcorp Genetics (formerly Invitae), Labcorp
Classification: Uncertain significance for Charcot-Marie-Tooth disease axonal type 2O. Last evaluated: 2024-10-31. Review status: criteria provided, single submitter. Criteria: Invitae Variant Classification Sherloc (09022015). Collection method: clinical testing. Allele origin: germline.
Comment: This sequence change replaces leucine, which is neutral and non-polar, with proline, which is neutral and non-polar, at codon 1072 of the DYNC1H1 protein (p.Leu1072Pro). This variant is not present in population databases (gnomAD no frequency). This variant has not been reported in the literature in individuals affected with DYNC1H1-related conditions. Invitae Evidence Modeling of protein sequence and biophysical properties (such as structural, functional, and spatial information, amino acid conservation, physicochemical variation, residue mobility, and thermodynamic stability) indicates that this missense variant is expected to disrupt DYNC1H1 protein function with a positive predictive value of 95%. In summary, the available evidence is currently insufficient to determine the role of this variant in disease. Therefore, it has been classified as a Variant of Uncertain Significance.

NM_001376.5(DYNC1H1):c.3215T>C (p.Leu1072Pro)

Gene: DYNC1H1 (dynein cytoplasmic 1 heavy chain 1; plus strand). Cytogenetic location: 14q32.31.
Variant type: single nucleotide variant.
Coding change: c.3215T>C on transcript NM_001376.5 (MANE Select); coding-DNA position 3215, T replaced by C.
Protein change: p.Leu1072Pro; replaces leucine 1072 with proline.
Molecular consequence: missense variant.
Genome position (GRCh38, 1-based): chr14:101,994,731, T>C. VCF-style: chr14-101994731-T-C. GRCh37 (hg19) VCF-style: chr14-102461068-T-C.
Other names: short protein forms L1072P.
Identifiers: ClinVar variation 3636130 (VCV003636130.2).